The following is an entry in ClinVar:

ClinVar aggregate classification (germline): Likely benign. Review status: criteria provided, multiple submitters, no conflicts (2 of 4 stars). 2 submissions from 2 submitters: Likely benign (2). Last evaluated 2025-12-14.

Conditions:
Nephronophthisis. Also called: Juvenile Nephronophthisis. Identifiers: Orphanet 655, MedGen C0687120, MONDO:0019005, HP:0000090.
NPHP1-related disorder. Also called: NPHP1-related condition; NPHP1-related disorders.

Allele frequency attached by ClinVar (database versions not stated): ExAC 0.00002.
gnomAD v4.1: 10 of 1,605,356 alleles (0.00062%); highest among the groups gnomAD compares: East Asian, 0.02%; no homozygotes.

Submissions (2):

Labcorp Genetics (formerly Invitae), Labcorp
Classification: Likely benign for Nephronophthisis. Last evaluated: 2025-12-14. Review status: criteria provided, single submitter. Criteria: Invitae Variant Classification Sherloc (09022015). Collection method: clinical testing. Allele origin: germline.

PreventionGenetics, part of Exact Sciences
Classification: Likely benign for NPHP1-related condition. Last evaluated: 2025-05-22. Review status: criteria provided, single submitter. Criteria: ACMG Guidelines, 2015. Collection method: clinical testing. Allele origin: germline.
Comment: This variant is classified as likely benign based on ACMG/AMP sequence variant interpretation guidelines (Richards et al. 2015 PMID: 25741868, with internal and published modifications).

NM_001128178.3(NPHP1):c.625-8T>C

Gene: NPHP1 (nephrocystin 1; minus strand). Cytogenetic location: 2q13.
Variant type: single nucleotide variant.
Coding change: c.625-8T>C on transcript NM_001128178.3 (MANE Select); 8 bases into the intron before coding-DNA position 625, T replaced by C.
Molecular consequence: intron variant.
Genome position (GRCh38, 1-based): chr2:110,165,163, A>G on the plus strand (T>C on the coding strand, the complement: NPHP1 is on the minus strand). VCF-style: chr2-110165163-A-G. GRCh37 (hg19) VCF-style: chr2-110922740-A-G.
Other names: c.625-8T>C (NM_000272.3, NM_001374256.1, NM_001374257.1 and 2 more transcripts); c.439-8T>C (NM_001128179.3).
Identifiers: ClinVar variation 2853859 (VCV002853859.4), dbSNP rs752133948, ClinGen allele CA1827320.